The following is an entry in ClinVar:

ClinVar aggregate classification (germline): Conflicting classifications of pathogenicity. Review status: criteria provided, conflicting classifications (1 of 4 stars). 2 submissions from 2 submitters: Uncertain significance (1); Likely benign (1). Last evaluated 2024-06-07.

Conditions:
Renal cell carcinoma. Identifiers: Orphanet 217071, MedGen C0007134, MeSH D002292, MONDO:0005086, HP:0005584.
Hereditary cancer-predisposing syndrome. Also called: Hereditary Cancer Syndrome; Hereditary neoplastic syndrome; Tumor predisposition; Neoplastic Syndromes, Hereditary. Identifiers: Orphanet 140162, MedGen C0027672, MeSH D009386, MONDO:0015356.

Submissions (2):

Ambry Genetics
Classification: Likely benign for Hereditary cancer-predisposing syndrome. Last evaluated: 2024-06-07. Review status: criteria provided, single submitter. Criteria: Ambry Variant Classification Scheme 2023. Collection method: clinical testing. Allele origin: germline.

Labcorp Genetics (formerly Invitae), Labcorp
Classification: Uncertain significance for Renal cell carcinoma. Last evaluated: 2023-08-22. Review status: criteria provided, single submitter. Criteria: Invitae Variant Classification Sherloc (09022015). Collection method: clinical testing. Allele origin: germline.
Comment: This sequence change replaces threonine, which is neutral and polar, with isoleucine, which is neutral and non-polar, at codon 47 of the MET protein (p.Thr47Ile). This variant is not present in population databases (gnomAD no frequency). This variant has not been reported in the literature in individuals affected with MET-related conditions. Advanced modeling of protein sequence and biophysical properties (such as structural, functional, and spatial information, amino acid conservation, physicochemical variation, residue mobility, and thermodynamic stability) performed at Invitae indicates that this missense variant is not expected to disrupt MET protein function. In summary, the available evidence is currently insufficient to determine the role of this variant in disease. Therefore, it has been classified as a Variant of Uncertain Significance.

NM_000245.4(MET):c.140C>T (p.Thr47Ile)

Gene: MET (MET proto-oncogene, receptor tyrosine kinase; plus strand). Cytogenetic location: 7q31.2.
Variant type: single nucleotide variant.
Coding change: c.140C>T on transcript NM_000245.4 (MANE Select); coding-DNA position 140, C replaced by T.
Protein change: p.Thr47Ile; replaces threonine 47 with isoleucine.
Molecular consequence: missense variant. On other transcripts: intron variant (1).
Genome position (GRCh38, 1-based): chr7:116,699,224, C>T. VCF-style: chr7-116699224-C-T. GRCh37 (hg19) VCF-style: chr7-116339278-C-T.
Other names: c.140C>T, p.Thr47Ile (NM_001127500.3, NM_001324401.3); c.-91+26647C>T (NM_001324402.2); short protein forms T47I.
Identifiers: ClinVar variation 2878627 (VCV002878627.4), dbSNP rs2116581323, ClinGen allele CA368968434.